The following is an entry in ClinVar:

NM_001384317.1(ZHX3):c.233C>T (p.Ser78Phe)

Gene: ZHX3 (zinc fingers and homeoboxes 3; minus strand). Cytogenetic location: 20q12.
Variant type: single nucleotide variant.
Coding change: c.233C>T on transcript NM_001384317.1 (MANE Select); coding-DNA position 233, C replaced by T.
Protein change: p.Ser78Phe; replaces serine 78 with phenylalanine.
Molecular consequence: missense variant.
Genome position (GRCh38, 1-based): chr20:41,204,684, G>A on the plus strand (C>T on the coding strand, the complement: ZHX3 is on the minus strand). VCF-style: chr20-41204684-G-A. GRCh37 (hg19) VCF-style: chr20-39833324-G-A.
Other names: c.233C>T, p.Ser78Phe (NM_001384315.1, NM_001384316.1, NM_001384318.1 and 8 more transcripts); short protein forms S78F.
Identifiers: ClinVar variation 1373186 (VCV001373186.6), dbSNP rs150841576, ClinGen allele CA9860145.

ClinVar aggregate classification (germline): Uncertain significance (1 of 4 stars; one submission).

Allele frequency attached by ClinVar (database versions not stated): 1000 Genomes Project 30x 0.00031; 1000 Genomes Project 0.00040; gnomAD 0.00082 and 0.00083; ExAC 0.00083; gnomAD exomes 0.00090 and 0.00155; TOPMed 0.00091; ESP Exome Variant Server 0.00100.
gnomAD v4.1: 2,392 of 1,614,224 alleles (0.15%); highest among the groups gnomAD compares: Non-Finnish European, 0.19%; 4 homozygotes.

Submission:

Labcorp Genetics (formerly Invitae), Labcorp
Classification: Uncertain significance. Last evaluated: 2025-12-26. Review status: criteria provided, single submitter. Criteria: Invitae Variant Classification Sherloc (09022015). Collection method: clinical testing. Allele origin: germline.
Comment: This sequence change replaces serine, which is neutral and polar, with phenylalanine, which is neutral and non-polar, at codon 78 of the ZHX3 protein (p.Ser78Phe). This variant is present in population databases (rs150841576, gnomAD 0.2%), and has an allele count higher than expected for a pathogenic variant. This variant has not been reported in the literature in individuals affected with ZHX3-related conditions. ClinVar contains an entry for this variant (Variation ID: 1373186). An algorithm developed to predict the effect of missense changes on protein structure and function (PolyPhen-2) suggests that this variant is likely to be tolerated. In summary, the available evidence is currently insufficient to determine the role of this variant in disease. Therefore, it has been classified as a Variant of Uncertain Significance.